The following is an entry in ClinVar:

NM_024757.5(EHMT1):c.1296G>C (p.Lys432Asn)

Gene: EHMT1 (euchromatic histone lysine methyltransferase 1; plus strand). Cytogenetic location: 9q34.3.
Variant type: single nucleotide variant.
Coding change: c.1296G>C on transcript NM_024757.5 (MANE Select); coding-DNA position 1296, G replaced by C.
Protein change: p.Lys432Asn; replaces lysine 432 with asparagine.
Molecular consequence: missense variant.
Genome position (GRCh38, 1-based): chr9:137,754,218, G>C. VCF-style: chr9-137754218-G-C. GRCh37 (hg19) VCF-style: chr9-140648670-G-C.
Other names: c.1296G>C (NM_024757.4); c.1296G>C, p.Lys432Asn (NM_001145527.2, NM_001354611.2); c.1203G>C, p.Lys401Asn (NM_001354259.2, NM_001354612.2); c.1275G>C, p.Lys425Asn (NM_001354263.2); short protein forms K432N, K425N, K401N.
Identifiers: ClinVar variation 2014779 (VCV002014779.5), dbSNP rs1588533578, ClinGen allele CA375763188.
Genomic context (GRCh38, chr9:137,754,218, plus strand): 5'-TTTGGTTCTCCAGAGTTCGGAATCCAGCATTAAGAAGAAATTTCTCAAGAGGAAAGGAAA[G>C]ACCGACAGTCCCTGGATCAAGCCAGCCAGGAAAAGGAGGCGGAGAAGTAGAAAGAAGCCC-3'
Protein context (NP_079033.4, residues 422-442): IKKKFLKRKG[Lys432Asn]TDSPWIKPAR

ClinVar aggregate classification (germline): Conflicting classifications of pathogenicity. Review status: criteria provided, conflicting classifications (1 of 4 stars). 2 submissions from 2 submitters: Uncertain significance (1); Benign (1). Last evaluated 2024-10-24.

Conditions:
Kleefstra syndrome 1 (KLEFS1). Identifiers: Orphanet 261494, MedGen C0795833, MONDO:0027407, OMIM 610253.
EHMT1-related disorder. Also called: EHMT1-related condition.

Allele frequency attached by ClinVar (database versions not stated): gnomAD exomes below 0.00001.
gnomAD v4.1: 2 of 1,614,152 alleles (0.00012%); highest among the groups gnomAD compares: Non-Finnish European, 0.00017%; no homozygotes.

Submissions (2):

Labcorp Genetics (formerly Invitae), Labcorp
Classification: Benign for Kleefstra syndrome 1. Last evaluated: 2024-10-24. Review status: criteria provided, single submitter. Criteria: Invitae Variant Classification Sherloc (09022015). Collection method: clinical testing. Allele origin: germline.

PreventionGenetics, part of Exact Sciences
Classification: Uncertain significance for EHMT1-related condition. Last evaluated: 2023-06-08. Review status: criteria provided, single submitter. Criteria: ACMG Guidelines, 2015. Collection method: clinical testing. Allele origin: germline.
Comment: The EHMT1 c.1296G>C variant is predicted to result in the amino acid substitution p.Lys432Asn. To our knowledge, this variant has not been reported in the literature or in a large population database, indicating this variant is rare. At this time, the clinical significance of this variant is uncertain due to the absence of conclusive functional and genetic evidence.